The following is an entry in ClinVar:

ClinVar aggregate classification (germline): Uncertain significance. Review status: criteria provided, multiple submitters, no conflicts (2 of 4 stars). 3 submissions from 3 submitters: Uncertain significance (3). Last evaluated 2026-06-05.

Conditions:
Inborn genetic diseases. Identifiers: MedGen C0950123, MeSH D030342.

Allele frequency attached by ClinVar (database versions not stated): gnomAD exomes 0.00002; ExAC 0.00003; TOPMed 0.00003; gnomAD 0.00004 and 0.00005; 1000 Genomes Project 30x 0.00016; 1000 Genomes Project 0.00020.
gnomAD v4.1: 82 of 1,613,986 alleles (0.0051%); highest among the groups gnomAD compares: East Asian, 0.0089%; no homozygotes.

Submissions (3):

GeneDx
Classification: Uncertain significance. Last evaluated: 2026-06-05. Review status: criteria provided, single submitter. Criteria: GeneDx Variant Classification Process June 2021. Collection method: clinical testing. Allele origin: germline.
Comment: In silico analysis supports that this missense variant has a deleterious effect on protein structure/function; Has not been previously published as pathogenic or benign to our knowledge

Ambry Genetics
Classification: Uncertain significance for Inborn genetic diseases. Last evaluated: 2025-03-26. Review status: criteria provided, single submitter. Criteria: Ambry Variant Classification Scheme 2023. Collection method: clinical testing. Allele origin: germline.

Athena Diagnostics
Classification: Uncertain significance. Last evaluated: 2018-02-09. Review status: criteria provided, single submitter. Criteria: Athena Diagnostics Criteria. Collection method: clinical testing. Allele origin: germline.

NM_006796.3(AFG3L2):c.1736C>T (p.Ala579Val)

Gene: AFG3L2 (AFG3 like matrix AAA peptidase subunit 2; minus strand). Cytogenetic location: 18p11.21.
Variant type: single nucleotide variant.
Coding change: c.1736C>T on transcript NM_006796.3 (MANE Select); coding-DNA position 1736, C replaced by T.
Protein change: p.Ala579Val; replaces alanine 579 with valine.
Molecular consequence: missense variant.
Genome position (GRCh38, 1-based): chr18:12,344,175, G>A on the plus strand (C>T on the coding strand, the complement: AFG3L2 is on the minus strand). VCF-style: chr18-12344175-G-A. GRCh37 (hg19) VCF-style: chr18-12344174-G-A.
Other names: short protein forms A579V.
Identifiers: ClinVar variation 586459 (VCV000586459.5), dbSNP rs551042055, ClinGen allele CA8896418.
Genomic context (GRCh38, chr18:12,344,175, plus strand): 5'-CAGCTACCCTGCTTCACCTTTAAAAGCGGGTCTGCGTGCTCCAGATACCAGCCGGCAACC[G>A]CATGGCCTGCTTCGTGGTATGCCACAGTCTTCTTCTCCTCAGGCTGCAGAACCTGCGTTT-3'
Protein context (NP_006787.2, residues 569-589): KTVAYHEAGH[Ala579Val]VAGWYLEHAD